The following is an entry in ClinVar:

NM_006031.6(PCNT):c.1207+9T>C

Gene: PCNT (pericentrin; plus strand). Cytogenetic location: 21q22.3.
Variant type: single nucleotide variant.
Coding change: c.1207+9T>C on transcript NM_006031.6 (MANE Select); 9 bases into the intron after coding-DNA position 1207, T replaced by C.
Molecular consequence: intron variant.
Genome position (GRCh38, 1-based): chr21:46,349,195, T>C. VCF-style: chr21-46349195-T-C. GRCh37 (hg19) VCF-style: chr21-47769109-T-C.
Other names: c.853+9T>C (NM_001315529.2); c.1207+9T>C (NM_006031.5).
Identifiers: ClinVar variation 1627087 (VCV001627087.9), dbSNP rs372223976, ClinGen allele CA10078535.

ClinVar aggregate classification (germline): Likely benign. Review status: criteria provided, single submitter (1 of 4 stars). 2 submissions from 2 submitters: Likely benign (1). 1 of the submissions does not count toward it. Last evaluated 2025-07-22.

Conditions:
PCNT-related disorder. Also called: PCNT-related condition.

Allele frequency attached by ClinVar (database versions not stated): gnomAD exomes below 0.00001 and 0.00002; ExAC 0.00001; TOPMed 0.00001; gnomAD 0.00003; ESP Exome Variant Server 0.00008.
gnomAD v4.1: 39 of 1,610,888 alleles (0.0024%); highest among the groups gnomAD compares: Non-Finnish European, 0.0031%; no homozygotes.

Submissions (2):

Labcorp Genetics (formerly Invitae), Labcorp
Classification: Likely benign. Last evaluated: 2025-07-22. Review status: criteria provided, single submitter. Criteria: Invitae Variant Classification Sherloc (09022015). Collection method: clinical testing. Allele origin: germline.

PreventionGenetics, part of Exact Sciences
Classification: Likely benign for PCNT-related condition. Last evaluated: 2023-02-08. Review status: no assertion criteria provided. Collection method: clinical testing. Allele origin: germline. Not counted in ClinVar's aggregate classification.
Comment: This variant is classified as likely benign based on ACMG/AMP sequence variant interpretation guidelines (Richards et al. 2015 PMID: 25741868, with internal and published modifications).